The following is an entry in ClinVar:

NM_001042492.3(NF1):c.6160A>G (p.Met2054Val)

Gene: NF1 (neurofibromin 1; plus strand). Cytogenetic location: 17q11.2.
Variant type: single nucleotide variant.
Coding change: c.6160A>G on transcript NM_001042492.3 (MANE Select); coding-DNA position 6160, A replaced by G.
Protein change: p.Met2054Val; replaces methionine 2054 with valine.
Molecular consequence: missense variant.
Genome position (GRCh38, 1-based): chr17:31,336,647, A>G. VCF-style: chr17-31336647-A-G. GRCh37 (hg19) VCF-style: chr17-29663665-A-G.
Other names: c.6097A>G, p.Met2033Val (NM_000267.4); short protein forms M2033V, M2054V.
Identifiers: ClinVar variation 940627 (VCV000940627.6), dbSNP rs1037341012, ClinGen allele CA399011719.

ClinVar aggregate classification (germline): Uncertain significance (1 of 4 stars; one submission).

Conditions:
Neurofibromatosis, type 1 (NF1). Also called: Peripheral type neurofibromatosis; VON RECKLINGHAUSEN DISEASE; Neurofibromatosis, type I; NEUROFIBROMATOSIS, TYPE I, SOMATIC. Identifiers: Orphanet 636, MedGen C0027831, MONDO:0018975, OMIM 162200. Disease mechanism: loss of function.

Submission:

Labcorp Genetics (formerly Invitae), Labcorp
Classification: Uncertain significance for Neurofibromatosis, type 1. Last evaluated: 2019-08-23. Review status: criteria provided, single submitter. Criteria: Invitae Variant Classification Sherloc (09022015). Collection method: clinical testing. Allele origin: germline.
Comment: This sequence change replaces methionine with valine at codon 2033 of the NF1 protein (p.Met2033Val). The methionine residue is moderately conserved and there is a small physicochemical difference between methionine and valine. In summary, the available evidence is currently insufficient to determine the role of this variant in disease. Therefore, it has been classified as a Variant of Uncertain Significance. Algorithms developed to predict the effect of sequence changes on RNA splicing suggest that this variant may create or strengthen a splice site, but this prediction has not been confirmed by published transcriptional studies. Algorithms developed to predict the effect of missense changes on protein structure and function are either unavailable or do not agree on the potential impact of this missense change (SIFT: "Deleterious"; PolyPhen-2: "Possibly Damaging"; Align-GVGD: "Class C0"). This variant has not been reported in the literature in individuals with NF1-related conditions. This variant is not present in population databases (ExAC no frequency).